The following is an entry in ClinVar:

ClinVar aggregate classification (germline): Uncertain significance (1 of 4 stars; one submission).

Allele frequency attached by ClinVar (database versions not stated): gnomAD exomes 0.00002 and 0.00001; gnomAD 0.00003; ExAC 0.00012; 1000 Genomes Project 30x 0.00016; 1000 Genomes Project 0.00020; TOPMed below 0.00001.
gnomAD v4.1: 16 of 1,303,680 alleles (0.0012%); highest among the groups gnomAD compares: South Asian, 0.017%; no homozygotes.

Submission:

Labcorp Genetics (formerly Invitae), Labcorp
Classification: Uncertain significance. Last evaluated: 2023-01-09. Review status: criteria provided, single submitter. Criteria: Invitae Variant Classification Sherloc (09022015). Collection method: clinical testing. Allele origin: germline.
Comment: In summary, the available evidence is currently insufficient to determine the role of this variant in disease. Therefore, it has been classified as a Variant of Uncertain Significance. Algorithms developed to predict the effect of missense changes on protein structure and function are either unavailable or do not agree on the potential impact of this missense change (SIFT: "Tolerated"; PolyPhen-2: "Not Available"; Align-GVGD: "Class C0"). ClinVar contains an entry for this variant (Variation ID: 1510083). This variant has not been reported in the literature in individuals affected with ERCC6L2-related conditions. This variant is present in population databases (rs539349129, gnomAD 0.01%). This sequence change replaces histidine, which is basic and polar, with arginine, which is basic and polar, at codon 734 of the ERCC6L2 protein (p.His734Arg).

NM_020207.7(ERCC6L2):c.2168A>G (p.His723Arg)

Gene: ERCC6L2 (ERCC excision repair 6 like 2; plus strand). Cytogenetic location: 9q22.32.
Variant type: single nucleotide variant.
Coding change: c.2168A>G on transcript NM_020207.7 (MANE Select); coding-DNA position 2168, A replaced by G.
Protein change: p.His723Arg; replaces histidine 723 with arginine.
Molecular consequence: missense variant. On other transcripts: non-coding transcript variant (1).
Genome position (GRCh38, 1-based): chr9:95,970,643, A>G. VCF-style: chr9-95970643-A-G. GRCh37 (hg19) VCF-style: chr9-98732925-A-G.
Other names: c.2168A>G, p.His723Arg (NM_001375291.1, NM_001375292.1, NM_001375293.1 and 1 more transcripts); short protein forms H723R.
Identifiers: ClinVar variation 1510083 (VCV001510083.5), dbSNP rs539349129, ClinGen allele CA5139806.